The following is an entry in ClinVar:

ClinVar aggregate classification (germline): Likely benign. Review status: criteria provided, multiple submitters, no conflicts (2 of 4 stars). 3 submissions from 3 submitters: Likely benign (3). Last evaluated 2025-10-23.

Conditions:
Inborn genetic diseases. Identifiers: MedGen C0950123, MeSH D030342.

Allele frequency attached by ClinVar (database versions not stated): gnomAD 0.00002; TOPMed 0.00002.
gnomAD v4.1: 35 of 1,604,388 alleles (0.0022%); highest among the groups gnomAD compares: Non-Finnish European, 0.0023%; no homozygotes.

Submissions (3):

Ambry Genetics
Classification: Likely benign for Inborn genetic diseases. Last evaluated: 2025-10-23. Review status: criteria provided, single submitter. Criteria: Ambry Variant Classification Scheme 2023. Collection method: clinical testing. Allele origin: germline.

CeGaT Center for Human Genetics Tuebingen
Classification: Likely benign. Last evaluated: 2025-10-01. Review status: criteria provided, single submitter. Criteria: CeGaT Center For Human Genetics Tuebingen Variant Classification Criteria Version 2. Collection method: clinical testing. Allele origin: germline. Affected: yes. Observed: 1 variant allele.
Comment: AHDC1: BP1, BP4, BS2

Labcorp Genetics (formerly Invitae), Labcorp
Classification: Likely benign. Last evaluated: 2024-10-24. Review status: criteria provided, single submitter. Criteria: Invitae Variant Classification Sherloc (09022015). Collection method: clinical testing. Allele origin: germline.

NM_001371928.1(AHDC1):c.2063G>A (p.Arg688Gln)

Gene: AHDC1 (AT-hook DNA binding motif containing 1; minus strand). Cytogenetic location: 1p36.11.
Variant type: single nucleotide variant.
Coding change: c.2063G>A on transcript NM_001371928.1 (MANE Select); coding-DNA position 2063, G replaced by A.
Protein change: p.Arg688Gln; replaces arginine 688 with glutamine.
Molecular consequence: missense variant.
Genome position (GRCh38, 1-based): chr1:27,550,053, C>T on the plus strand (G>A on the coding strand, the complement: AHDC1 is on the minus strand). VCF-style: chr1-27550053-C-T. GRCh37 (hg19) VCF-style: chr1-27876564-C-T.
Other names: c.2063G>A (NM_001029882.2); c.2063G>A, p.Arg688Gln (NM_001029882.3); short protein forms R688Q.
Identifiers: ClinVar variation 1923564 (VCV001923564.11), dbSNP rs759273828, ClinGen allele CA715842.